The following is an entry in ClinVar:

ClinVar aggregate classification (germline): Uncertain significance. Review status: criteria provided, multiple submitters, no conflicts (2 of 4 stars). 2 submissions from 2 submitters: Uncertain significance (2). Last evaluated 2024-01-04.

Conditions:
Inborn genetic diseases. Identifiers: MedGen C0950123, MeSH D030342.

gnomAD v4.1: 21 of 1,612,882 alleles (0.0013%); highest among the groups gnomAD compares: African/African-American, 0.0053%; no homozygotes.

Submissions (2):

Ambry Genetics
Classification: Uncertain significance for Inborn genetic diseases. Last evaluated: 2024-01-04. Review status: criteria provided, single submitter. Criteria: Ambry Variant Classification Scheme 2023. Collection method: clinical testing. Allele origin: germline.

Labcorp Genetics (formerly Invitae), Labcorp
Classification: Uncertain significance. Last evaluated: 2023-10-22. Review status: criteria provided, single submitter. Criteria: Invitae Variant Classification Sherloc (09022015). Collection method: clinical testing. Allele origin: germline.
Comment: This sequence change replaces threonine, which is neutral and polar, with methionine, which is neutral and non-polar, at codon 214 of the CFB protein (p.Thr214Met). This variant is not present in population databases (gnomAD no frequency). This variant has not been reported in the literature in individuals affected with CFB-related conditions. ClinVar contains an entry for this variant (Variation ID: 1469057). Advanced modeling of protein sequence and biophysical properties (such as structural, functional, and spatial information, amino acid conservation, physicochemical variation, residue mobility, and thermodynamic stability) performed at Invitae indicates that this missense variant is not expected to disrupt CFB protein function. In summary, the available evidence is currently insufficient to determine the role of this variant in disease. Therefore, it has been classified as a Variant of Uncertain Significance.

NM_001710.6(CFB):c.641C>T (p.Thr214Met)

Gene: CFB (complement factor B; plus strand). Cytogenetic location: 6p21.33.
Variant type: single nucleotide variant.
Coding change: c.641C>T on transcript NM_001710.6 (MANE Select); coding-DNA position 641, C replaced by T.
Protein change: p.Thr214Met; replaces threonine 214 with methionine.
Molecular consequence: missense variant.
Genome position (GRCh38, 1-based): chr6:31,947,504, C>T. VCF-style: chr6-31947504-C-T. GRCh37 (hg19) VCF-style: chr6-31915281-C-T.
Other names: c.641C>T (NM_001710.5); short protein forms T214M.
Identifiers: ClinVar variation 1469057 (VCV001469057.9), dbSNP rs761471751, ClinGen allele CA3728091.